The following is an entry in ClinVar:

NM_000368.5(TSC1):c.3242T>A (p.Leu1081His)

Gene: TSC1 (TSC complex subunit 1; minus strand). Cytogenetic location: 9q34.13.
Variant type: single nucleotide variant.
Coding change: c.3242T>A on transcript NM_000368.5 (MANE Select); coding-DNA position 3242, T replaced by A.
Protein change: p.Leu1081His; replaces leucine 1081 with histidine.
Molecular consequence: missense variant. On other transcripts: non-coding transcript variant (5).
Genome position (GRCh38, 1-based): chr9:132,896,488, A>T on the plus strand (T>A on the coding strand, the complement: TSC1 is on the minus strand). VCF-style: chr9-132896488-A-T. GRCh37 (hg19) VCF-style: chr9-135771875-A-T.
Other names: c.3239T>A, p.Leu1080His (NM_001162426.2, NM_001406597.1, NM_001406598.1 and 2 more transcripts); c.3089T>A, p.Leu1030His (NM_001162427.2, NM_001406610.1); c.2879T>A, p.Leu960His (NM_001362177.2, NM_001406614.1, NM_001406615.1 and 4 more transcripts); c.3242T>A, p.Leu1081His (NM_001406592.1, NM_001406593.1, NM_001406594.1 and 2 more transcripts); c.3227T>A, p.Leu1076His (NM_001406601.1, NM_001406602.1); c.3224T>A, p.Leu1075His (NM_001406603.1, NM_001406604.1); c.3200T>A, p.Leu1067His (NM_001406605.1, NM_001406606.1, NM_001406607.1); c.3197T>A, p.Leu1066His (NM_001406608.1, NM_001406609.1); and 8 more; short protein forms L1015H, L1029H, L1030H, L1066H, L1067H, L1075H, L1076H, L1080H.
Identifiers: ClinVar variation 3070425 (VCV003070425.1), dbSNP rs2131599348, ClinGen allele CA375366890.

ClinVar aggregate classification (germline): Uncertain significance (1 of 4 stars; one submission).

Conditions:
Tuberous sclerosis syndrome (TSC). Also called: Tuberous sclerosis; Tuberous Sclerosis Complex. Identifiers: Orphanet 805, MedGen C0041341, MONDO:0001734.

gnomAD v4.1: 1 of 1,614,234 alleles (0.000062%); highest among the groups gnomAD compares: Non-Finnish European, 0.000085%; no homozygotes.

Submission:

All of Us Research Program, National Institutes of Health
Classification: Uncertain significance for Tuberous sclerosis syndrome. Last evaluated: 2023-04-10. Review status: criteria provided, single submitter. Criteria: ACMG Guidelines, 2015. Collection method: clinical testing. Allele origin: germline. Inheritance: Autosomal dominant inheritance. Observed: 1 variant allele, 1 heterozygote.
Comment: This missense variant replaces leucine with histidine at codon 1081 of the TSC1 protein. Computational prediction suggests that this variant may not impact protein structure and function (internally defined REVEL score threshold <= 0.5, PMID: 27666373). To our knowledge, functional studies have not been reported for this variant. This variant has not been reported in individuals affected with TSC1-related disorders in the literature. This variant has not been identified in the general population by the Genome Aggregation Database (gnomAD). The available evidence is insufficient to determine the role of this variant in disease conclusively. Therefore, this variant is classified as a Variant of Uncertain Significance.

This study involves interpretation of variants in research participants for the purpose of population health screening. Participant phenotype was not available at the time of variant classification. Additional details can be found in publication PMID: 35346344, PMCID: PMC8962531